The following is an entry in ClinVar:

ClinVar aggregate classification (germline): Uncertain significance (1 of 4 stars; one submission).

gnomAD v4.1: 38 of 1,289,442 alleles (0.0029%); highest among the groups gnomAD compares: Non-Finnish European, 0.0037%; no homozygotes.

Submission:

Labcorp Genetics (formerly Invitae), Labcorp
Classification: Uncertain significance. Last evaluated: 2025-02-13. Review status: criteria provided, single submitter. Criteria: Invitae Variant Classification Sherloc (09022015). Collection method: clinical testing. Allele origin: germline.
Comment: This sequence change replaces aspartic acid, which is acidic and polar, with glycine, which is neutral and non-polar, at codon 961 of the ERCC6L2 protein (p.Asp961Gly). This variant is present in population databases (no rsID available, gnomAD 0.007%). This variant has not been reported in the literature in individuals affected with ERCC6L2-related conditions. Experimental studies and prediction algorithms are not available or were not evaluated, and the functional significance of this variant is currently unknown. In summary, the available evidence is currently insufficient to determine the role of this variant in disease. Therefore, it has been classified as a Variant of Uncertain Significance.

NM_020207.7(ERCC6L2):c.2849A>G (p.Asp950Gly)

Gene: ERCC6L2 (ERCC excision repair 6 like 2; plus strand). Cytogenetic location: 9q22.32.
Variant type: single nucleotide variant.
Coding change: c.2849A>G on transcript NM_020207.7 (MANE Select); coding-DNA position 2849, A replaced by G.
Protein change: p.Asp950Gly; replaces aspartic acid 950 with glycine.
Molecular consequence: missense variant. On other transcripts: non-coding transcript variant (1).
Genome position (GRCh38, 1-based): chr9:95,972,600, A>G. VCF-style: chr9-95972600-A-G. GRCh37 (hg19) VCF-style: chr9-98734882-A-G.
Other names: c.2849A>G, p.Asp950Gly (NM_001375293.1, NM_001375294.1, NM_001375291.1 and 1 more transcripts); short protein forms D950G.
Identifiers: ClinVar variation 4781733 (VCV004781733.1).